The following is an entry in ClinVar:

NM_152703.5(SAMD9L):c.1778T>C (p.Leu593Pro)

Gene: SAMD9L (sterile alpha motif domain containing 9 like; minus strand). Cytogenetic location: 7q21.2.
Variant type: single nucleotide variant.
Coding change: c.1778T>C on transcript NM_152703.5 (MANE Select); coding-DNA position 1778, T replaced by C.
Protein change: p.Leu593Pro; replaces leucine 593 with proline.
Molecular consequence: missense variant.
Genome position (GRCh38, 1-based): chr7:93,134,194, A>G on the plus strand (T>C on the coding strand, the complement: SAMD9L is on the minus strand). VCF-style: chr7-93134194-A-G. GRCh37 (hg19) VCF-style: chr7-92763507-A-G.
Other names: c.1778T>C, p.Leu593Pro (NM_001303496.3, NM_001303497.3, NM_001303498.3 and 5 more transcripts); short protein forms L593P.
Identifiers: ClinVar variation 3007294 (VCV003007294.3), dbSNP rs2535425309, ClinGen allele CA368194652.

ClinVar aggregate classification (germline): Uncertain significance (1 of 4 stars; one submission).

gnomAD v4.1: 3 of 1,613,278 alleles (0.00019%); highest among the groups gnomAD compares: Non-Finnish European, 0.00025%; no homozygotes.

Submission:

Labcorp Genetics (formerly Invitae), Labcorp
Classification: Uncertain significance. Last evaluated: 2022-12-17. Review status: criteria provided, single submitter. Criteria: Invitae Variant Classification Sherloc (09022015). Collection method: clinical testing. Allele origin: germline.
Comment: In summary, the available evidence is currently insufficient to determine the role of this variant in disease. Therefore, it has been classified as a Variant of Uncertain Significance. Advanced modeling of protein sequence and biophysical properties (such as structural, functional, and spatial information, amino acid conservation, physicochemical variation, residue mobility, and thermodynamic stability) performed at Invitae indicates that this missense variant is expected to disrupt SAMD9L protein function. This variant has not been reported in the literature in individuals affected with SAMD9L-related conditions. This variant is not present in population databases (gnomAD no frequency). This sequence change replaces leucine, which is neutral and non-polar, with proline, which is neutral and non-polar, at codon 593 of the SAMD9L protein (p.Leu593Pro).